The following is an entry in ClinVar:

ClinVar aggregate classification (germline): Uncertain significance. Review status: criteria provided, multiple submitters, no conflicts (2 of 4 stars). 2 submissions from 2 submitters: Uncertain significance (2). Last evaluated 2023-08-04.

Conditions:
Dystonic disorder. Also called: Dystonia. Identifiers: MedGen C0013421, MONDO:0003441, HP:0001332.

gnomAD v4.1: 5 of 1,613,876 alleles (0.00031%); highest among the groups gnomAD compares: African/African-American, 0.004%; no homozygotes.

Submissions (2):

Labcorp Genetics (formerly Invitae), Labcorp
Classification: Uncertain significance for Dystonic disorder. Last evaluated: 2023-08-04. Review status: criteria provided, single submitter. Criteria: Invitae Variant Classification Sherloc (09022015). Collection method: clinical testing. Allele origin: germline.
Comment: This sequence change replaces isoleucine, which is neutral and non-polar, with methionine, which is neutral and non-polar, at codon 756 of the CIZ1 protein (p.Ile756Met). This variant is present in population databases (no rsID available, gnomAD 0.007%). This variant has not been reported in the literature in individuals affected with CIZ1-related conditions. ClinVar contains an entry for this variant (Variation ID: 1419682). Algorithms developed to predict the effect of missense changes on protein structure and function output the following: SIFT: "Not Available"; PolyPhen-2: "Benign"; Align-GVGD: "Not Available". The methionine amino acid residue is found in multiple mammalian species, which suggests that this missense change does not adversely affect protein function. In summary, the available evidence is currently insufficient to determine the role of this variant in disease. Therefore, it has been classified as a Variant of Uncertain Significance.

Ambry Genetics
Classification: Uncertain significance. Last evaluated: 2023-07-19. Review status: criteria provided, single submitter. Criteria: Ambry Variant Classification Scheme 2023. Collection method: clinical testing. Allele origin: germline.

NM_001131016.2(CIZ1):c.2268C>G (p.Ile756Met)

Gene: CIZ1 (CDKN1A interacting zinc finger protein 1; minus strand). Cytogenetic location: 9q34.11.
Variant type: single nucleotide variant.
Coding change: c.2268C>G on transcript NM_001131016.2 (MANE Select); coding-DNA position 2268, C replaced by G.
Protein change: p.Ile756Met; replaces isoleucine 756 with methionine.
Molecular consequence: missense variant.
Genome position (GRCh38, 1-based): chr9:128,169,079, G>C on the plus strand (C>G on the coding strand, the complement: CIZ1 is on the minus strand). VCF-style: chr9-128169079-G-C. GRCh37 (hg19) VCF-style: chr9-130931358-G-C.
Other names: c.2100C>G, p.Ile700Met (NM_001131015.2); c.2085C>G, p.Ile695Met (NM_001131017.2); c.2028C>G, p.Ile676Met (NM_001131018.2); c.2436C>G, p.Ile812Met (NM_001257975.2); c.1965C>G, p.Ile655Met (NM_001257976.2); c.2268C>G, p.Ile756Met (NM_012127.3); c.2268C>G (NM_012127.2); short protein forms I676M, I700M, I812M, I695M, I756M, I655M.
Identifiers: ClinVar variation 1419682 (VCV001419682.7), dbSNP rs771467210, ClinGen allele CA200374693.
Genomic context (GRCh38, chr9:128,169,079, plus strand): 5'-CCAAGCCCGCCTCCCACACCCTCCCCCCAGCACCTGCTTGCAGAGTTCCTCCTCAACCTC[G>C]ATCTCTTCTTCATCCTCATCATCCTCTTCCTCTTCTTCATCACCCTCGAAGCAACCCACA-3'
Protein context (NP_001124488.1, residues 746-766): EEEDDEDEEE[Ile756Met]EVEEELCKQV